The following is an entry in ClinVar:

ClinVar aggregate classification (germline): Uncertain significance. Review status: criteria provided, multiple submitters, no conflicts (2 of 4 stars). 9 submissions from 9 submitters: Uncertain significance (9). Last evaluated 2026-06-10.

Conditions:
LYST-related disorder. Also called: LYST-related condition.
Chédiak-Higashi syndrome (CHS). Also called: Chediak-Higashi Syndrome. Identifiers: Orphanet 167, MedGen C0007965, MONDO:0008963, OMIM 214500.
Inborn genetic diseases. Identifiers: MedGen C0950123, MeSH D030342.

Allele frequency attached by ClinVar (database versions not stated): gnomAD exomes 0.00002; ExAC 0.00003; gnomAD 0.00009; TOPMed 0.00009; 1000 Genomes Project 30x 0.00016; 1000 Genomes Project 0.00020.
gnomAD v4.1: 53 of 1,613,616 alleles (0.0033%); highest among the groups gnomAD compares: Middle Eastern, 0.15%; no homozygotes.

Submissions (9):

Women's Health and Genetics/Laboratory Corporation of America, LabCorp
Classification: Uncertain significance. Last evaluated: 2026-06-10. Review status: criteria provided, single submitter. Criteria: LabCorp Variant Classification Summary - May 2015. Collection method: clinical testing. Allele origin: germline.
Comment: Variant summary: LYST c.2465C>T (p.Thr822Ile) results in a non-conservative amino acid change in the encoded protein sequence. Algorithms developed to predict the effect of missense changes on protein structure and function are either unavailable or do not agree on the potential impact of this missense change. The variant allele was found at a frequency of 1.6e-05 in 251224 control chromosomes. The available data on variant occurrences in the general population are insufficient to allow any conclusion about variant significance. To our knowledge, no occurrence of c.2465C>T in individuals affected with LYST-related conditions and no experimental evidence demonstrating its impact on protein function have been reported. ClinVar contains an entry for this variant (Variation ID: 813928). Based on the evidence outlined above, the variant was classified as uncertain significance.

PreventionGenetics, part of Exact Sciences
Classification: Uncertain significance for LYST-related condition. Last evaluated: 2026-03-09. Review status: criteria provided, single submitter. Criteria: ACMG Guidelines, 2015. Collection method: clinical testing. Allele origin: germline.
Comment: The LYST c.2465C>T variant is predicted to result in the amino acid substitution p.Thr822Ile. This variant has been reported in an individual with multiple sclerosis (Jafarpour et al. 2022. PubMed ID: 35960392). This variant is reported in 0.016% of alleles in individuals of African descent in gnomAD. At this time, the clinical significance of this variant is uncertain due to the absence of conclusive functional and genetic evidence.

Labcorp Genetics (formerly Invitae), Labcorp
Classification: Uncertain significance for Chédiak-Higashi syndrome. Last evaluated: 2026-01-20. Review status: criteria provided, single submitter. Criteria: Invitae Variant Classification Sherloc (09022015). Collection method: clinical testing. Allele origin: germline.
Comment: This sequence change replaces threonine, which is neutral and polar, with isoleucine, which is neutral and non-polar, at codon 822 of the LYST protein (p.Thr822Ile). This variant is present in population databases (rs199746236, gnomAD 0.02%). This variant has not been reported in the literature in individuals affected with LYST-related conditions. ClinVar contains an entry for this variant (Variation ID: 813928). Invitae Evidence Modeling of protein sequence and biophysical properties (such as structural, functional, and spatial information, amino acid conservation, physicochemical variation, residue mobility, and thermodynamic stability) indicates that this missense variant is not expected to disrupt LYST protein function with a negative predictive value of 80%. In summary, the available evidence is currently insufficient to determine the role of this variant in disease. Therefore, it has been classified as a Variant of Uncertain Significance.

CeGaT Center for Human Genetics Tuebingen
Classification: Uncertain significance. Last evaluated: 2024-09-01. Review status: criteria provided, single submitter. Criteria: CeGaT Center For Human Genetics Tuebingen Variant Classification Criteria Version 2. Collection method: clinical testing. Allele origin: germline. Affected: yes. Observed: 1 variant allele.
Comment: LYST: PM2

Blueprint Genetics
Classification: Uncertain significance. Last evaluated: 2023-06-02. Review status: criteria provided, single submitter. Criteria: ACMG Guidelines, 2015. Collection method: clinical testing. Allele origin: germline.

Revvity Omics, Revvity
Classification: Uncertain significance for Chédiak-Higashi syndrome. Last evaluated: 2021-09-02. Review status: criteria provided, single submitter. Criteria: ACMG Guidelines, 2015. Collection method: clinical testing. Allele origin: germline.

Ambry Genetics
Classification: Uncertain significance for Inborn genetic diseases. Last evaluated: 2021-07-16. Review status: criteria provided, single submitter. Criteria: Ambry Variant Classification Scheme 2023. Collection method: clinical testing. Allele origin: germline.

Broad Center for Mendelian Genomics, Broad Institute of MIT and Harvard
Classification: Uncertain significance for Chédiak-Higashi syndrome. Last evaluated: 2018-12-03. Review status: criteria provided, single submitter. Criteria: ACMG Guidelines, 2015. Collection method: research. Allele origin: germline. Inheritance: Autosomal recessive inheritance. Affected: yes.
Comment: The p.Thr822Ile variant in LYST has not been previously reported in individuals with Chediak-Higashi syndrome but has been identified in 0.01665% (4/24028) of African chromosomes by the Genome Aggregation Database (gnomAD; dbSNP rs199746236). Although this variant has been seen in the general population, its frequency is low enough to be consistent with a recessive carrier frequency. Computational prediction tools and conservation analyses suggest that this variant may not impact the protein, though this information is not predictive enough to rule out pathogenicity. In summary, the clinical significance of the p.Thr822Ile variant is uncertain. ACMG/AMP Criteria applied: PM2, BP4 (Richards 2015).

Illumina Laboratory Services, Illumina
Classification: Uncertain significance for Chédiak-Higashi syndrome. Last evaluated: 2018-01-12. Review status: criteria provided, single submitter. Criteria: ICSL Variant Classification Criteria 13 December 2019. Collection method: clinical testing. Allele origin: germline.

NM_000081.4(LYST):c.2465C>T (p.Thr822Ile)

Gene: LYST (lysosomal trafficking regulator; minus strand). Cytogenetic location: 1q42.3.
Variant type: single nucleotide variant.
Coding change: c.2465C>T on transcript NM_000081.4 (MANE Select); coding-DNA position 2465, C replaced by T.
Protein change: p.Thr822Ile; replaces threonine 822 with isoleucine.
Molecular consequence: missense variant.
Genome position (GRCh38, 1-based): chr1:235,806,671, G>A on the plus strand (C>T on the coding strand, the complement: LYST is on the minus strand). VCF-style: chr1-235806671-G-A. GRCh37 (hg19) VCF-style: chr1-235969971-G-A.
Other names: c.2465C>T, p.Thr822Ile (NM_001301365.1); c.2465C>T (NM_000081.2); short protein forms T822I.
Identifiers: ClinVar variation 813928 (VCV000813928.35), dbSNP rs199746236, ClinGen allele CA1467270.